The following is an entry in ClinVar:

NM_001005361.3(DNM2):c.2058+3G>A

Gene: DNM2 (dynamin 2; plus strand). Cytogenetic location: 19p13.2.
Variant type: single nucleotide variant.
Coding change: c.2058+3G>A on transcript NM_001005361.3 (MANE Select); 3 bases into the intron after coding-DNA position 2058, G replaced by A.
Molecular consequence: intron variant.
Genome position (GRCh38, 1-based): chr19:10,825,224, G>A. VCF-style: chr19-10825224-G-A. GRCh37 (hg19) VCF-style: chr19-10935900-G-A.
Other names: c.2058+3G>A (NM_001005360.3, NM_001190716.2); c.2046+3G>A (NM_004945.4, NM_001005362.3).
Identifiers: ClinVar variation 1022518 (VCV001022518.6), dbSNP rs747966753, ClinGen allele CA9201483.

ClinVar aggregate classification (germline): Uncertain significance (1 of 4 stars; one submission).

Conditions:
Charcot-Marie-Tooth disease dominant intermediate B (CMTDIB). Also called: Charcot-Marie-Tooth disease dominant intermediate 1; CMT DI1; Charcot-Marie-Tooth disease dominant intermediate I; CHARCOT-MARIE-TOOTH NEUROPATHY, DOMINANT INTERMEDIATE B. Identifiers: Orphanet 100044, Orphanet 228179, MedGen C1847902, MONDO:0011674, OMIM 606482.

Allele frequency attached by ClinVar (database versions not stated): ExAC 0.00002.
gnomAD v4.1: 11 of 1,613,922 alleles (0.00068%); highest among the groups gnomAD compares: South Asian, 0.011%; no homozygotes.

Submission:

Labcorp Genetics (formerly Invitae), Labcorp
Classification: Uncertain significance for Charcot-Marie-Tooth disease dominant intermediate B. Last evaluated: 2024-02-05. Review status: criteria provided, single submitter. Criteria: Invitae Variant Classification Sherloc (09022015). Collection method: clinical testing. Allele origin: germline.
Comment: This sequence change falls in intron 18 of the DNM2 gene. It does not directly change the encoded amino acid sequence of the DNM2 protein. It affects a nucleotide within the consensus splice site. This variant is present in population databases (rs747966753, gnomAD 0.006%). This variant has not been reported in the literature in individuals affected with DNM2-related conditions. ClinVar contains an entry for this variant (Variation ID: 1022518). Variants that disrupt the consensus splice site are a relatively common cause of aberrant splicing (PMID: 17576681, 9536098). Algorithms developed to predict the effect of sequence changes on RNA splicing suggest that this variant is not likely to affect RNA splicing. In summary, the available evidence is currently insufficient to determine the role of this variant in disease. Therefore, it has been classified as a Variant of Uncertain Significance.

Literature cited by the submitters: PubMed 17576681; PubMed 9536098.